The following is an entry in ClinVar:

ClinVar aggregate classification (germline): Uncertain significance. Review status: criteria provided, multiple submitters, no conflicts (2 of 4 stars). 2 submissions from 2 submitters: Uncertain significance (2). Last evaluated 2025-04-21.

Conditions:
Inborn genetic diseases. Identifiers: MedGen C0950123, MeSH D030342.

Allele frequency attached by ClinVar (database versions not stated): TOPMed below 0.00001; ExAC 0.00001; gnomAD 0.00002; gnomAD exomes 0.00002.
gnomAD v4.1: 27 of 1,208,967 alleles (0.0022%); highest among the groups gnomAD compares: Non-Finnish European, 0.0028%; no homozygotes.

Submissions (2):

Ambry Genetics
Classification: Uncertain significance for Inborn genetic diseases. Last evaluated: 2025-04-21. Review status: criteria provided, single submitter. Criteria: Ambry Variant Classification Scheme 2023. Collection method: clinical testing. Allele origin: germline.

Labcorp Genetics (formerly Invitae), Labcorp
Classification: Uncertain significance. Last evaluated: 2023-08-28. Review status: criteria provided, single submitter. Criteria: Invitae Variant Classification Sherloc (09022015). Collection method: clinical testing. Allele origin: germline.
Comment: Advanced modeling of protein sequence and biophysical properties (such as structural, functional, and spatial information, amino acid conservation, physicochemical variation, residue mobility, and thermodynamic stability) performed at Invitae indicates that this missense variant is not expected to disrupt CLCN4 protein function. In summary, the available evidence is currently insufficient to determine the role of this variant in disease. Therefore, it has been classified as a Variant of Uncertain Significance. This variant has not been reported in the literature in individuals affected with CLCN4-related conditions. This variant is present in population databases (rs769245455, gnomAD 0.003%). This sequence change replaces threonine, which is neutral and polar, with serine, which is neutral and polar, at codon 394 of the CLCN4 protein (p.Thr394Ser).

NM_001830.4(CLCN4):c.1181C>G (p.Thr394Ser)

Gene: CLCN4 (chloride voltage-gated channel 4; plus strand). Cytogenetic location: Xp22.2.
Variant type: single nucleotide variant.
Coding change: c.1181C>G on transcript NM_001830.4 (MANE Select); coding-DNA position 1181, C replaced by G.
Protein change: p.Thr394Ser; replaces threonine 394 with serine.
Molecular consequence: missense variant.
Genome position (GRCh38, 1-based): chrX:10,208,382, C>G. VCF-style: chrX-10208382-C-G. GRCh37 (hg19) VCF-style: chrX-10176422-C-G.
Other names: c.899C>G, p.Thr300Ser (NM_001256944.2); c.1181C>G (NM_001830.3); short protein forms T300S, T394S.
Identifiers: ClinVar variation 2889409 (VCV002889409.4), dbSNP rs769245455, ClinGen allele CA10347187.